The following is an entry in ClinVar:

ClinVar aggregate classification (germline): Uncertain significance (1 of 4 stars; one submission).

gnomAD v4.1: 18 of 1,614,174 alleles (0.0011%); highest among the groups gnomAD compares: Non-Finnish European, 0.0015%; no homozygotes.

Submission:

Ambry Genetics
Classification: Uncertain significance. Last evaluated: 2023-07-27. Review status: criteria provided, single submitter. Criteria: Ambry Variant Classification Scheme 2023. Collection method: clinical testing. Allele origin: germline.
Comment: The p.P189A variant (also known as c.565C>G), located in coding exon 6 of the A2ML1 gene, results from a C to G substitution at nucleotide position 565. The proline at codon 189 is replaced by alanine, an amino acid with highly similar properties. This amino acid position is conserved. In addition, this alteration is predicted to be tolerated by in silico analysis. Since supporting evidence is limited at this time, the clinical significance of this alteration remains unclear.

NM_144670.6(A2ML1):c.565C>G (p.Pro189Ala)

Gene: A2ML1 (alpha-2-macroglobulin like 1; plus strand). Cytogenetic location: 12p13.31.
Variant type: single nucleotide variant.
Coding change: c.565C>G on transcript NM_144670.6 (MANE Select); coding-DNA position 565, C replaced by G.
Protein change: p.Pro189Ala; replaces proline 189 with alanine.
Molecular consequence: missense variant.
Genome position (GRCh38, 1-based): chr12:8,835,588, C>G. VCF-style: chr12-8835588-C-G. GRCh37 (hg19) VCF-style: chr12-8988184-C-G.
Other names: short protein forms P189A.
Identifiers: ClinVar variation 2626058 (VCV002626058.2), dbSNP rs780009431, ClinGen allele CA383821408.